The following is an entry in ClinVar:

NM_007294.4(BRCA1):c.4094T>G (p.Leu1365Ter)

Genes: BRCA1 (BRCA1 DNA repair associated; minus strand), LOC126862571 (BRD4-independent group 4 enhancer GRCh37_chr17:41243136-41244335; plus strand). Cytogenetic location: 17q21.31.
Variant type: single nucleotide variant.
Coding change: c.4094T>G on transcript NM_007294.4 (MANE Select); coding-DNA position 4094, T replaced by G.
Protein change: p.Leu1365Ter; replaces leucine 1365 with a stop codon.
Molecular consequence: nonsense. On other transcripts: intron variant (135).
Genome position (GRCh38, 1-based): chr17:43,091,437, A>C on the plus strand (T>G on the coding strand, the complement: BRCA1 is on the minus strand). VCF-style: chr17-43091437-A-C. GRCh37 (hg19) VCF-style: chr17-41243454-A-C.
Other names: 4213T>G; c.3950T>G, p.Leu1317Ter (NM_001407745.1, NM_001407746.1, NM_001407747.1 and 20 more transcripts); c.3953T>G, p.Leu1318Ter (NM_001407750.1, NM_001407751.1, NM_001407752.1 and 29 more transcripts); c.3881T>G, p.Leu1294Ter (NM_001407853.1, NM_001407894.1, NM_001407895.1 and 9 more transcripts); c.4094T>G, p.Leu1365Ter (NM_001407854.1, NM_001407858.1, NM_001407859.1 and 30 more transcripts); c.4091T>G, p.Leu1364Ter (NM_001407860.1, NM_001407861.1, NM_001407587.1 and 22 more transcripts); c.3893T>G, p.Leu1298Ter (NM_001407862.1); c.3971T>G, p.Leu1324Ter (NM_001407863.1, NM_001407919.1, NM_001407937.1 and 19 more transcripts); and 42 more; short protein forms L1365*, L1318*, L1197*, L1253*, L1294*, L1295*, L1338*, L1254*.
Identifiers: ClinVar variation 91623 (VCV000091623.14), dbSNP rs398122681, ClinGen allele CA002616.
Genomic context (GRCh38, chr17:43,091,437, plus strand): 5'-ACATTTAGCTCACTTCTATAAATAGACTGGGGCAAACACAAAAACCTGGTTCCAATACCT[A>C]AGTTTGAATCCATGCTTTGCTCTTCTTGATTATTTTCTTCCAAGCCCGTTCCTCTTTCTT-3'

ClinVar aggregate classification (germline): Pathogenic. Review status: reviewed by expert panel (3 of 4 stars). 5 submissions from 5 submitters: Pathogenic (1). 4 of the submissions do not count toward it. Last evaluated 2016-09-08.

Conditions:
Breast-ovarian cancer, familial, susceptibility to, 1 (BROVCA1). Also called: BRCA1 Hereditary Breast and Ovarian Cancer; OVARIAN CANCER, SUSCEPTIBILITY TO. Identifiers: Orphanet 145, MedGen C2676676, MONDO:0011450, OMIM 604370. Disease mechanism: loss of function.
Hereditary breast ovarian cancer syndrome. Also called: BRCA1- and BRCA2-Associated Hereditary Breast and Ovarian Cancer; Hereditary breast and ovarian cancer syndrome; Hereditary breast and ovarian cancer syndrome (HBOC); Breast and ovarian cancer; Hereditary breast and/or ovarian cancer syndrome; Hereditary breast and ovarian cancer. Identifiers: Orphanet 145, MedGen C0677776, MeSH D061325, MONDO:0003582. Disease mechanism: loss of function.

Submissions (5):

Evidence-based Network for the Interpretation of Germline Mutant Alleles (ENIGMA)
Classification: Pathogenic for Breast-ovarian cancer, familial, susceptibility to, 1. Last evaluated: 2016-09-08. Review status: reviewed by expert panel. Criteria: ENIGMA BRCA1/2 Classification Criteria (2015). Collection method: curation. Allele origin: germline.
Comment: Variant allele predicted to encode a truncated non-functional protein.

Labcorp Genetics (formerly Invitae), Labcorp
Classification: Pathogenic for Hereditary breast ovarian cancer syndrome. Last evaluated: 2022-05-30. Review status: criteria provided, single submitter. Criteria: Invitae Variant Classification Sherloc (09022015). Collection method: clinical testing. Allele origin: germline. Not counted in ClinVar's aggregate classification.
Comment: This sequence change creates a premature translational stop signal (p.Leu1365*) in the BRCA1 gene. It is expected to result in an absent or disrupted protein product. Loss-of-function variants in BRCA1 are known to be pathogenic (PMID: 20104584). This variant is not present in population databases (gnomAD no frequency). This premature translational stop signal has been observed in individual(s) with clinical features of hereditary breast and ovarian cancer syndrome (PMID: 28724667, 29446198). ClinVar contains an entry for this variant (Variation ID: 91623). For these reasons, this variant has been classified as Pathogenic.

GeneKor MSA
Classification: Pathogenic. Last evaluated: 2020-01-01. Review status: criteria provided, single submitter. Criteria: ACMG Guidelines, 2015. Collection method: clinical testing. Allele origin: germline. Not counted in ClinVar's aggregate classification.
Comment: This variant is a single amino acid change from Leucine to a termination codon at amino acid residue 1365 of the BRCA1 gene. It is expected to result in a truncated, non-functional protein. The mutation database ClinVar contains entries for this variant (Variation ID: 91623). Truncating variants in the BRCA1 gene are known to be pathogenic.

Consortium of Investigators of Modifiers of BRCA1/2 (CIMBA), c/o University of Cambridge
Classification: Pathogenic for Breast-ovarian cancer, familial, susceptibility to, 1. Last evaluated: 2015-10-02. Review status: criteria provided, single submitter. Criteria: CIMBA Mutation Classification guidelines May 2016. Collection method: clinical testing. Allele origin: germline. Not counted in ClinVar's aggregate classification.

Sharing Clinical Reports Project (SCRP)
Classification: Pathogenic for Breast-ovarian cancer, familial 1. Last evaluated: 2012-05-09. Review status: no assertion criteria provided. Collection method: clinical testing. Allele origin: germline. Not counted in ClinVar's aggregate classification.

Literature cited by the submitters: PubMed 20104584 (cited by Labcorp Genetics (formerly Invitae), Labcorp); PubMed 28724667 (cited by Labcorp Genetics (formerly Invitae), Labcorp); PubMed 29446198 (cited by Labcorp Genetics (formerly Invitae), Labcorp).